The following is an entry in ClinVar:

ClinVar aggregate classification (germline): Uncertain significance (1 of 4 stars; one submission).

Conditions:
Lethal multiple pterygium syndrome (LMPS). Identifiers: Orphanet 33108, MedGen C1854678, MONDO:0009668, OMIM 253290.

Submission:

Labcorp Genetics (formerly Invitae), Labcorp
Classification: Uncertain significance for Lethal multiple pterygium syndrome. Last evaluated: 2021-12-11. Review status: criteria provided, single submitter. Criteria: Invitae Variant Classification Sherloc (09022015). Collection method: clinical testing. Allele origin: germline.
Comment: This variant is not present in population databases (gnomAD no frequency). This sequence change replaces valine, which is neutral and non-polar, with aspartic acid, which is acidic and polar, at codon 328 of the CHRND protein (p.Val328Asp). This variant has not been reported in the literature in individuals affected with CHRND-related conditions. Advanced modeling of protein sequence and biophysical properties (such as structural, functional, and spatial information, amino acid conservation, physicochemical variation, residue mobility, and thermodynamic stability) performed at Invitae indicates that this missense variant is expected to disrupt CHRND protein function. In summary, the available evidence is currently insufficient to determine the role of this variant in disease. Therefore, it has been classified as a Variant of Uncertain Significance.

NM_000751.3(CHRND):c.983T>A (p.Val328Asp)

Gene: CHRND (cholinergic receptor nicotinic delta subunit; plus strand). Cytogenetic location: 2q37.1.
Variant type: single nucleotide variant.
Coding change: c.983T>A on transcript NM_000751.3 (MANE Select); coding-DNA position 983, T replaced by A.
Protein change: p.Val328Asp; replaces valine 328 with aspartic acid.
Molecular consequence: missense variant.
Genome position (GRCh38, 1-based): chr2:232,531,592, T>A. VCF-style: chr2-232531592-T-A. GRCh37 (hg19) VCF-style: chr2-233396302-T-A.
Other names: c.938T>A, p.Val313Asp (NM_001256657.2); c.401T>A, p.Val134Asp (NM_001311195.2); c.680T>A, p.Val227Asp (NM_001311196.2); short protein forms V227D, V328D, V134D, V313D.
Identifiers: ClinVar variation 1445543 (VCV001445543.6), dbSNP rs2106211615, ClinGen allele CA351003360.